The following is an entry in ClinVar:

NM_012338.4(TSPAN12):c.547G>T (p.Val183Phe)

Gene: TSPAN12 (tetraspanin 12; minus strand). Cytogenetic location: 7q31.31.
Variant type: single nucleotide variant.
Coding change: c.547G>T on transcript NM_012338.4 (MANE Select); coding-DNA position 547, G replaced by T.
Protein change: p.Val183Phe; replaces valine 183 with phenylalanine.
Molecular consequence: missense variant.
Genome position (GRCh38, 1-based): chr7:120,806,614, C>A on the plus strand (G>T on the coding strand, the complement: TSPAN12 is on the minus strand). VCF-style: chr7-120806614-C-A. GRCh37 (hg19) VCF-style: chr7-120446668-C-A.
Other names: short protein forms V183F.
Identifiers: ClinVar variation 998981 (VCV000998981.10), dbSNP rs771135954, ClinGen allele CA165836664.

ClinVar aggregate classification (germline): Uncertain significance (1 of 4 stars; one submission).

gnomAD v4.1: 10 of 1,613,584 alleles (0.00062%); highest among the groups gnomAD compares: Middle Eastern, 0.13%; no homozygotes.

Submission:

Labcorp Genetics (formerly Invitae), Labcorp
Classification: Uncertain significance. Last evaluated: 2024-10-29. Review status: criteria provided, single submitter. Criteria: Invitae Variant Classification Sherloc (09022015). Collection method: clinical testing. Allele origin: germline.
Comment: This sequence change replaces valine, which is neutral and non-polar, with phenylalanine, which is neutral and non-polar, at codon 183 of the TSPAN12 protein (p.Val183Phe). This variant is not present in population databases (gnomAD no frequency). This variant has not been reported in the literature in individuals affected with TSPAN12-related conditions. ClinVar contains an entry for this variant (Variation ID: 998981). Invitae Evidence Modeling of protein sequence and biophysical properties (such as structural, functional, and spatial information, amino acid conservation, physicochemical variation, residue mobility, and thermodynamic stability) indicates that this missense variant is not expected to disrupt TSPAN12 protein function with a negative predictive value of 80%. In summary, the available evidence is currently insufficient to determine the role of this variant in disease. Therefore, it has been classified as a Variant of Uncertain Significance.